The following is an entry in ClinVar:

ClinVar aggregate classification (germline): Uncertain significance. Review status: criteria provided, multiple submitters, no conflicts (2 of 4 stars). 2 submissions from 2 submitters: Uncertain significance (2). Last evaluated 2024-11-25.

Conditions:
BRPF1-related disorder. Also called: BRPF1-related condition.

Allele frequency attached by ClinVar (database versions not stated): TOPMed below 0.00001.

Submissions (2):

GeneDx
Classification: Uncertain significance. Last evaluated: 2024-11-25. Review status: criteria provided, single submitter. Criteria: GeneDx Variant Classification Process June 2021. Collection method: clinical testing. Allele origin: germline.
Comment: Not observed at significant frequency in large population cohorts (gnomAD); In silico analysis supports that this missense variant has a deleterious effect on protein structure/function; Has not been previously published as pathogenic or benign to our knowledge

PreventionGenetics, part of Exact Sciences
Classification: Uncertain significance for BRPF1-related condition. Last evaluated: 2022-09-19. Review status: criteria provided, single submitter. Criteria: ACMG Guidelines, 2015. Collection method: clinical testing. Allele origin: germline.
Comment: The BRPF1 c.1929G>C variant is predicted to result in the amino acid substitution p.Gln643His. To our knowledge, this variant has not been reported in the literature or in a large population database, indicating this variant is rare. At this time, the clinical significance of this variant is uncertain due to the absence of conclusive functional and genetic evidence.

NM_001003694.2(BRPF1):c.1929G>C (p.Gln643His)

Gene: BRPF1 (bromodomain and PHD finger containing 1; plus strand). Cytogenetic location: 3p25.3.
Variant type: single nucleotide variant.
Coding change: c.1929G>C on transcript NM_001003694.2 (MANE Select); coding-DNA position 1929, G replaced by C.
Protein change: p.Gln643His; replaces glutamine 643 with histidine.
Molecular consequence: missense variant. On other transcripts: non-coding transcript variant (1).
Genome position (GRCh38, 1-based): chr3:9,742,099, G>C. VCF-style: chr3-9742099-G-C. GRCh37 (hg19) VCF-style: chr3-9783783-G-C.
Other names: c.1929G>C, p.Gln643His (NM_001319049.2, NM_001319050.2, NM_001410704.1 and 1 more transcripts); short protein forms Q643H.
Identifiers: ClinVar variation 2636395 (VCV002636395.3), dbSNP rs1158348901, ClinGen allele CA351692184.
Genomic context (GRCh38, chr3:9,742,099, plus strand): 5'-GATTGCCATGGAGATGCAGCTGACTCCTTTCCTCATCCTCCTTCGCAAAACCTTGGAGCA[G>C]CTCCAAGAGAAGGACACAGGCAACATCTTCAGCGAGCCGGTCCCTCTGTCTGAGGTAACC-3'
Protein context (NP_001003694.1, residues 633-653): FLILLRKTLE[Gln643His]LQEKDTGNIF